The following is an entry in ClinVar:

ClinVar aggregate classification (germline): Uncertain significance (1 of 4 stars; one submission).

Conditions:
Wolman disease (WOLD). Also called: Wolman disease with hypolipoproteinemia and acanthocytosis; Acid cholesteryl ester hydrolase deficiency, Wolman type; Acid lipase disease; LYSOSOMAL ACID LIPASE DEFICIENCY, ACUTE INFANTILE; LYSOSOMAL ACID LIPASE DEFICIENCY, COMPLETE; LIPA DEFICIENCY, COMPLETE. Identifiers: Orphanet 75233, MedGen C0043208, MONDO:0019148, OMIM 620151.

Submission:

Labcorp Genetics (formerly Invitae), Labcorp
Classification: Uncertain significance for Wolman disease. Last evaluated: 2022-06-27. Review status: criteria provided, single submitter. Criteria: Invitae Variant Classification Sherloc (09022015). Collection method: clinical testing. Allele origin: germline.
Comment: This sequence change replaces serine, which is neutral and polar, with proline, which is neutral and non-polar, at codon 284 of the LIPA protein (p.Ser284Pro). This variant is not present in population databases (gnomAD no frequency). This variant has not been reported in the literature in individuals affected with LIPA-related conditions. Algorithms developed to predict the effect of missense changes on protein structure and function are either unavailable or do not agree on the potential impact of this missense change (SIFT: "Tolerated"; PolyPhen-2: "Possibly Damaging"; Align-GVGD: "Class C0"). In summary, the available evidence is currently insufficient to determine the role of this variant in disease. Therefore, it has been classified as a Variant of Uncertain Significance.

NM_000235.4(LIPA):c.850T>C (p.Ser284Pro)

Gene: LIPA (lipase A, lysosomal acid type; minus strand). Cytogenetic location: 10q23.31.
Variant type: single nucleotide variant.
Coding change: c.850T>C on transcript NM_000235.4 (MANE Select); coding-DNA position 850, T replaced by C.
Protein change: p.Ser284Pro; replaces serine 284 with proline.
Molecular consequence: missense variant.
Genome position (GRCh38, 1-based): chr10:89,222,555, A>G on the plus strand (T>C on the coding strand, the complement: LIPA is on the minus strand). VCF-style: chr10-89222555-A-G. GRCh37 (hg19) VCF-style: chr10-90982312-A-G.
Other names: c.850T>C, p.Ser284Pro (NM_001127605.3); c.502T>C, p.Ser168Pro (NM_001288979.2); short protein forms S284P, S168P.
Identifiers: ClinVar variation 1429812 (VCV001429812.5), dbSNP rs2133424861, ClinGen allele CA377516735.